The following is an entry in ClinVar:

ClinVar aggregate classification (germline): Uncertain significance (1 of 4 stars; one submission).

Conditions:
Pierpont syndrome (PRPTS). Identifiers: Orphanet 487825, MedGen C1865644, MONDO:0011213, OMIM 602342.

Allele frequency attached by ClinVar (database versions not stated): gnomAD exomes below 0.00001; gnomAD 0.00001.
gnomAD v4.1: 2 of 1,518,754 alleles (0.00013%); highest among the groups gnomAD compares: Admixed American, 0.0022%; no homozygotes.

Submission:

Labcorp Genetics (formerly Invitae), Labcorp
Classification: Uncertain significance for Pierpont syndrome. Last evaluated: 2023-02-18. Review status: criteria provided, single submitter. Criteria: Invitae Variant Classification Sherloc (09022015). Collection method: clinical testing. Allele origin: germline.
Comment: This sequence change falls in intron 4 of the TBL1XR1 gene. It does not directly change the encoded amino acid sequence of the TBL1XR1 protein. This variant is not present in population databases (gnomAD no frequency). This variant has not been reported in the literature in individuals affected with TBL1XR1-related conditions. Algorithms developed to predict the effect of sequence changes on RNA splicing suggest that this variant may disrupt the consensus splice site. In summary, the available evidence is currently insufficient to determine the role of this variant in disease. Therefore, it has been classified as a Variant of Uncertain Significance.

NM_024665.7(TBL1XR1):c.205-15A>G

Gene: TBL1XR1 (TBL1X/Y related 1; minus strand). Cytogenetic location: 3q26.32.
Variant type: single nucleotide variant.
Coding change: c.205-15A>G on transcript NM_024665.7 (MANE Select); 15 bases into the intron before coding-DNA position 205, A replaced by G.
Molecular consequence: intron variant.
Genome position (GRCh38, 1-based): chr3:177,051,741, T>C on the plus strand (A>G on the coding strand, the complement: TBL1XR1 is on the minus strand). VCF-style: chr3-177051741-T-C. GRCh37 (hg19) VCF-style: chr3-176769529-T-C.
Other names: c.205-15A>G (NM_001374327.1, NM_001321194.3, NM_001321193.3 and 2 more transcripts); c.-57-15A>G (NM_001374330.1, NM_001321195.3).
Identifiers: ClinVar variation 2838903 (VCV002838903.3), dbSNP rs769524471, ClinGen allele CA1056723501.